The following is an entry in ClinVar:

NM_013444.4(UBQLN2):c.1263G>T (p.Gln421His)

Gene: UBQLN2 (ubiquilin 2; plus strand). Cytogenetic location: Xp11.21.
Variant type: single nucleotide variant.
Coding change: c.1263G>T on transcript NM_013444.4 (MANE Select); coding-DNA position 1263, G replaced by T.
Protein change: p.Gln421His; replaces glutamine 421 with histidine.
Molecular consequence: missense variant.
Genome position (GRCh38, 1-based): chrX:56,565,136, G>T. VCF-style: chrX-56565136-G-T. GRCh37 (hg19) VCF-style: chrX-56591569-G-T.
Other names: short protein forms Q421H.
Identifiers: ClinVar variation 4990790 (VCV004990790.1).
Genomic context (GRCh38, chrX:56,565,136, plus strand): 5'-GAATCCAGATTTGGCTGCACAGATGATGCTGAATAGCCCGCTGTTTACTGCAAATCCTCA[G>T]CTGCAGGAGCAGATGCGGCCACAGCTCCCAGCCTTCCTGCAGCAGATGCAGAATCCAGAC-3'
Protein context (NP_038472.2, residues 411-431): LNSPLFTANP[Gln421His]LQEQMRPQLP

ClinVar aggregate classification (germline): Uncertain significance (1 of 4 stars; one submission).

Conditions:
UBQLN2-related disorder. Also called: UBQLN2-related condition.

Submission:

PreventionGenetics, part of Exact Sciences
Classification: Uncertain significance for UBQLN2-related condition. Last evaluated: 2026-08-05. Review status: criteria provided, single submitter. Criteria: ACMG Guidelines, 2015. Collection method: clinical testing. Allele origin: germline.
Comment: The UBQLN2 c.1263G>T variant is predicted to result in the amino acid substitution p.Gln421His. To our knowledge, this variant has not been reported in the literature or in a large population database (gnomAD), indicating this variant is rare. At this time, the clinical significance of this variant is uncertain due to the absence of conclusive functional and genetic evidence.